The following is an entry in ClinVar:

NM_013291.3(CPSF1):c.3127C>T (p.Pro1043Ser)

Gene: CPSF1 (cleavage and polyadenylation specific factor 1; minus strand). Cytogenetic location: 8q24.3.
Variant type: single nucleotide variant.
Coding change: c.3127C>T on transcript NM_013291.3 (MANE Select); coding-DNA position 3127, C replaced by T.
Protein change: p.Pro1043Ser; replaces proline 1043 with serine.
Molecular consequence: missense variant.
Genome position (GRCh38, 1-based): chr8:144,395,325, G>A on the plus strand (C>T on the coding strand, the complement: CPSF1 is on the minus strand). VCF-style: chr8-144395325-G-A. GRCh37 (hg19) VCF-style: chr8-145620540-G-A.
Other names: short protein forms P1043S.
Identifiers: ClinVar variation 3348172 (VCV003348172.1).

ClinVar aggregate classification (germline): Uncertain significance (0 of 4 stars; one submission).

Conditions:
CPSF1-related disorder. Also called: CPSF1-related condition.

gnomAD v4.1: 6 of 1,613,390 alleles (0.00037%); highest among the groups gnomAD compares: African/African-American, 0.008%; no homozygotes.

Submission:

PreventionGenetics, part of Exact Sciences
Classification: Uncertain significance for CPSF1-related condition. Last evaluated: 2024-03-29. Review status: no assertion criteria provided. Collection method: clinical testing. Allele origin: germline.
Comment: The CPSF1 c.3127C>T variant is predicted to result in the amino acid substitution p.Pro1043Ser. To our knowledge, this variant has not been reported in the literature. This variant is reported in 0.0081% of alleles in individuals of African descent in gnomAD. At this time, the clinical significance of this variant is uncertain due to the absence of conclusive functional and genetic evidence.